The following is an entry in ClinVar:

NM_006031.6(PCNT):c.720+17T>C

Gene: PCNT (pericentrin; plus strand). Cytogenetic location: 21q22.3.
Variant type: single nucleotide variant.
Coding change: c.720+17T>C on transcript NM_006031.6 (MANE Select); 17 bases into the intron after coding-DNA position 720, T replaced by C.
Molecular consequence: intron variant.
Genome position (GRCh38, 1-based): chr21:46,346,225, T>C. VCF-style: chr21-46346225-T-C. GRCh37 (hg19) VCF-style: chr21-47766139-T-C.
Other names: c.366+17T>C (NM_001315529.2).
Identifiers: ClinVar variation 95341 (VCV000095341.25), dbSNP rs9982233, ClinGen allele CA148451.

ClinVar aggregate classification (germline): Benign. Review status: criteria provided, multiple submitters, no conflicts (2 of 4 stars). 9 submissions from 9 submitters: Benign (7). 2 of the submissions do not count toward it. Last evaluated 2026-02-04.

Conditions:
Microcephalic osteodysplastic primordial dwarfism type II (MOPD2). Also called: MOPD II; OSTEODYSPLASTIC PRIMORDIAL DWARFISM, TYPE II; Microcephalic osteodysplastic primordial dwarfism with tooth abnormalities. Identifiers: Orphanet 2637, MedGen C0432246, MONDO:0008872, OMIM 210720.

Allele frequency attached by ClinVar (database versions not stated): gnomAD exomes 0.62819; ExAC 0.64080; gnomAD 0.66904 and 0.67221; TOPMed 0.67225; 1000 Genomes Project 0.67512; 1000 Genomes Project 30x 0.67583; ESP Exome Variant Server 0.68907.
gnomAD v4.1: 1,012,508 of 1,606,242 alleles (63%); highest among the groups gnomAD compares: African/African-American, 79%; 321,546 homozygotes.

Submissions (9):

Labcorp Genetics (formerly Invitae), Labcorp
Classification: Benign. Last evaluated: 2026-02-04. Review status: criteria provided, single submitter. Criteria: Invitae Variant Classification Sherloc (09022015). Collection method: clinical testing. Allele origin: germline.

Blueprint Genetics
Classification: Benign. Last evaluated: 2024-11-28. Review status: criteria provided, single submitter. Criteria: ACMG Guidelines, 2015. Collection method: clinical testing. Allele origin: germline.

Genome-Nilou Lab
Classification: Benign for Microcephalic osteodysplastic primordial dwarfism type II. Last evaluated: 2021-09-05. Review status: criteria provided, single submitter. Criteria: ACMG Guidelines, 2015. Collection method: clinical testing. Allele origin: germline. Affected: no.

Clinical Genetics DNA and cytogenetics Diagnostics Lab, Erasmus MC, Erasmus Medical Center
Classification: Benign for Microcephalic osteodysplastic primordial dwarfism type II. Last evaluated: 2017-05-31. Review status: criteria provided, single submitter. Criteria: ACGS Guidelines, 2013. Collection method: clinical testing. Allele origin: germline. Affected: yes. Study: VKGL Data-share Consensus.

GeneDx
Classification: Benign. Last evaluated: 2015-03-03. Review status: criteria provided, single submitter. Criteria: GeneDx Variant Classification Process June 2021. Collection method: clinical testing. Allele origin: germline. Affected: yes.

Eurofins Ntd Llc (ga)
Classification: Benign. Last evaluated: 2013-07-03. Review status: criteria provided, single submitter. Criteria: EGL Classification Definitions 2015. Collection method: clinical testing. Allele origin: germline. Observed: 1 variant allele, 1 homozygote.

Breakthrough Genomics
Classification: Benign. Review status: criteria provided, single submitter. Criteria: ACMG Guidelines, 2015. Collection method: not provided. Allele origin: germline. Inheritance: Autosomal recessive inheritance. Affected: yes.

Diagnostic Laboratory, Department of Genetics, University Medical Center Groningen
Classification: Benign for Microcephalic osteodysplastic primordial dwarfism type II. Review status: no assertion criteria provided. Collection method: clinical testing. Allele origin: germline. Affected: yes. Study: VKGL Data-share Consensus. Not counted in ClinVar's aggregate classification.

Genetic Services Laboratory, University of Chicago
Classification: Likely benign. Review status: no assertion criteria provided. Collection method: clinical testing. Allele origin: germline. Inheritance: Autosomal recessive inheritance. Not counted in ClinVar's aggregate classification.
Comment: Likely benign based on allele frequency in 1000 Genomes Project or ESP global frequency and its presence in a patient with a rare or unrelated disease phenotype. NOT Sanger confirmed